The following is an entry in ClinVar:

NM_000455.5(STK11):c.418_420del (p.Leu140del)

Gene: STK11 (serine/threonine kinase 11; plus strand). Cytogenetic location: 19p13.3.
Variant type: Deletion.
Coding change: c.418_420del on transcript NM_000455.5 (MANE Select); coding-DNA positions 418 to 420, 3 bases deleted (CTG; older notation c.418_420delCTG).
Protein change: p.Leu140del; deletes leucine 140.
Molecular consequence: inframe deletion.
Genome position (GRCh38, 1-based): chr19:1,219,367-1,219,369, CTG deleted; deleting any 3 consecutive bases within chr19:1,219,365-1,219,369 gives the same sequence; the c. name uses the placement nearest the transcript's 3' end. VCF-style (leftmost placement, unchanged base first): chr19-1219364-ATGC-A. GRCh37 (hg19) VCF-style: chr19-1219363-ATGC-A.
Other names: c.418_420del (NM_000455.4); short protein forms L140del.
Identifiers: ClinVar variation 689700 (VCV000689700.11), dbSNP rs1599925362, ClinGen allele CA915951580.

ClinVar aggregate classification (germline): Conflicting classifications of pathogenicity. Review status: criteria provided, conflicting classifications (1 of 4 stars). 3 submissions from 3 submitters: Pathogenic (1); Uncertain significance (2). Last evaluated 2024-02-06.

Conditions:
Marfanoid habitus and intellectual disability. Identifiers: MedGen CN263130.
Peutz-Jeghers syndrome (PJS). Also called: Peutz-Jeghers polyposis; Periorificial lentiginosis syndrome; POLYPOSIS, HAMARTOMATOUS INTESTINAL; POLYPS-AND-SPOTS SYNDROME. Identifiers: Orphanet 2869, MedGen C0031269, MeSH D010580, MONDO:0008280, OMIM 175200.

Submissions (3):

Labcorp Genetics (formerly Invitae), Labcorp
Classification: Pathogenic for Peutz-Jeghers syndrome. Last evaluated: 2024-02-06. Review status: criteria provided, single submitter. Criteria: Invitae Variant Classification Sherloc (09022015). Collection method: clinical testing. Allele origin: germline.
Comment: This variant, c.418_420del, results in the deletion of 1 amino acid(s) of the STK11 protein (p.Leu140del), but otherwise preserves the integrity of the reading frame. This variant is not present in population databases (gnomAD no frequency). This variant has been observed in individual(s) with STK11-related conditions (Invitae). ClinVar contains an entry for this variant (Variation ID: 689700). Experimental studies and prediction algorithms are not available or were not evaluated, and the functional significance of this variant is currently unknown. This variant disrupts a region of the STK11 protein in which other variant(s) (p.Leu140Pro) have been determined to be pathogenic (PMID: 29419869, 30334930). This suggests that this is a clinically significant region of the protein, and that variants that disrupt it are likely to be disease-causing. For these reasons, this variant has been classified as Pathogenic.

Genome-Nilou Lab
Classification: Uncertain significance for Peutz-Jeghers syndrome. Last evaluated: 2021-07-15. Review status: criteria provided, single submitter. Criteria: ACMG Guidelines, 2015. Collection method: clinical testing. Allele origin: germline. Affected: no.

Equipe Genetique des Anomalies du Developpement, Université de Bourgogne
Classification: Uncertain significance for Marfanoid habitus and intellectual disability. Review status: criteria provided, single submitter. Criteria: ACMG Guidelines, 2015. Collection method: research. Allele origin: de novo. Affected: yes.

Literature cited by the submitters: PubMed 29419869 (cited by Labcorp Genetics (formerly Invitae), Labcorp); PubMed 30334930 (cited by Labcorp Genetics (formerly Invitae), Labcorp).